The following is an entry in ClinVar:

NM_007194.4(CHEK2):c.1253T>G (p.Phe418Cys)

Gene: CHEK2 (checkpoint kinase 2; minus strand). Cytogenetic location: 22q12.1.
Variant type: single nucleotide variant.
Coding change: c.1253T>G on transcript NM_007194.4 (MANE Select); coding-DNA position 1253, T replaced by G.
Protein change: p.Phe418Cys; replaces phenylalanine 418 with cysteine.
Molecular consequence: missense variant.
Genome position (GRCh38, 1-based): chr22:28,695,716, A>C on the plus strand (T>G on the coding strand, the complement: CHEK2 is on the minus strand). VCF-style: chr22-28695716-A-C. GRCh37 (hg19) VCF-style: chr22-29091704-A-C.
Other names: c.1382T>G, p.Phe461Cys (NM_001005735.3); c.590T>G, p.Phe197Cys (NM_001257387.3); c.1052T>G, p.Phe351Cys (NM_001349956.3); c.1166T>G, p.Phe389Cys (NM_145862.3); short protein forms F197C, F389C, F461C, F351C, F418C.
Identifiers: ClinVar variation 1350050 (VCV001350050.7), dbSNP rs2052547427, ClinGen allele CA411096525.

ClinVar aggregate classification (germline): Uncertain significance (1 of 4 stars; one submission).

Conditions:
Familial cancer of breast. Also called: hereditary breast carcinoma; Hereditary breast cancer; BREAST CANCER, FAMILIAL. Identifiers: Orphanet 227535, MedGen C0346153, MONDO:0016419, OMIM 114480. Disease mechanism: loss of function.

Allele frequency attached by ClinVar (database versions not stated): gnomAD exomes 0.00001.
gnomAD v4.1: 7 of 1,613,456 alleles (0.00043%); highest among the groups gnomAD compares: Non-Finnish European, 0.00059%; no homozygotes.

Submission:

Labcorp Genetics (formerly Invitae), Labcorp
Classification: Uncertain significance for Familial cancer of breast. Last evaluated: 2021-11-07. Review status: criteria provided, single submitter. Criteria: Invitae Variant Classification Sherloc (09022015). Collection method: clinical testing. Allele origin: germline.
Comment: Algorithms developed to predict the effect of missense changes on protein structure and function are either unavailable or do not agree on the potential impact of this missense change (SIFT: "Deleterious"; PolyPhen-2: "Probably Damaging"; Align-GVGD: "Class C0"). This sequence change replaces phenylalanine, which is neutral and non-polar, with cysteine, which is neutral and slightly polar, at codon 418 of the CHEK2 protein (p.Phe418Cys). This variant is not present in population databases (gnomAD no frequency). This variant has not been reported in the literature in individuals affected with CHEK2-related conditions. In summary, the available evidence is currently insufficient to determine the role of this variant in disease. Therefore, it has been classified as a Variant of Uncertain Significance.